The following is an entry in ClinVar:

NM_003072.5(SMARCA4):c.69C>T (p.Ser23=)

Gene: SMARCA4 (SWI/SNF related BAF chromatin remodeling complex subunit ATPase 4; plus strand). Cytogenetic location: 19p13.2.
Variant type: single nucleotide variant.
Coding change: c.69C>T on transcript NM_003072.5 (MANE Select); coding-DNA position 69, C replaced by T.
Protein change: p.Ser23=; no amino-acid change (serine 23 retained).
Molecular consequence: synonymous variant. On other transcripts: non-coding transcript variant (1).
Genome position (GRCh38, 1-based): chr19:10,984,220, C>T. VCF-style: chr19-10984220-C-T. GRCh37 (hg19) VCF-style: chr19-11094896-C-T.
Other names: c.69C>T, p.Ser23= (NM_001128844.3, NM_001128845.2, NM_001128846.2 and 5 more transcripts).
Identifiers: ClinVar variation 238513 (VCV000238513.19), dbSNP rs772658698, ClinGen allele CA9203390.

ClinVar aggregate classification (germline): Benign/Likely benign. Review status: criteria provided, multiple submitters, no conflicts (2 of 4 stars). 5 submissions from 5 submitters: Benign (1); Likely benign (4). Last evaluated 2026-07-08.

Conditions:
SMARCA4-related disorder. Also called: SMARCA4-related condition.
Hereditary cancer-predisposing syndrome. Also called: Hereditary Cancer Syndrome; Tumor predisposition; Hereditary neoplastic syndrome; Neoplastic Syndromes, Hereditary. Identifiers: Orphanet 140162, MedGen C0027672, MeSH D009386, MONDO:0015356.
Rhabdoid tumor predisposition syndrome 2 (RTPS2). Identifiers: Orphanet 231108, Orphanet 69077, MedGen C2750074, MONDO:0013224, OMIM 613325.

Allele frequency attached by ClinVar (database versions not stated): gnomAD 0.00001; ExAC 0.00003; gnomAD exomes 0.00002; TOPMed 0.00003.
gnomAD v4.1: 23 of 1,612,460 alleles (0.0014%); highest among the groups gnomAD compares: African/African-American, 0.0027%; no homozygotes.

Submissions (5):

Myriad Genetics, Inc.
Classification: Benign for Rhabdoid tumor predisposition syndrome 2. Last evaluated: 2026-07-08. Review status: criteria provided, single submitter. Criteria: Myriad Autosomal Dominant, Autosomal Recessive and X-Linked Classification Criteria (2023). Collection method: clinical testing. Allele origin: unknown.
Comment: This variant is considered benign. This variant is a silent/synonymous amino acid change and it is not expected to impact splicing.

Labcorp Genetics (formerly Invitae), Labcorp
Classification: Likely benign for Rhabdoid tumor predisposition syndrome 2. Last evaluated: 2026-01-20. Review status: criteria provided, single submitter. Criteria: Invitae Variant Classification Sherloc (09022015). Collection method: clinical testing. Allele origin: germline.

PreventionGenetics, part of Exact Sciences
Classification: Likely benign for SMARCA4-related condition. Last evaluated: 2024-10-11. Review status: criteria provided, single submitter. Criteria: ACMG Guidelines, 2015. Collection method: clinical testing. Allele origin: germline.
Comment: This variant is classified as likely benign based on ACMG/AMP sequence variant interpretation guidelines (Richards et al. 2015 PMID: 25741868, with internal and published modifications).

Sema4
Classification: Likely benign for Hereditary cancer-predisposing syndrome. Last evaluated: 2021-11-06. Review status: criteria provided, single submitter. Criteria: Sema4 Curation Guidelines. Collection method: curation. Allele origin: germline.

Ambry Genetics
Classification: Likely benign for Hereditary cancer-predisposing syndrome. Last evaluated: 2015-09-21. Review status: criteria provided, single submitter. Criteria: Ambry Variant Classification Scheme 2023. Collection method: clinical testing. Allele origin: germline.